The following is an entry in ClinVar:

NM_019109.5(ALG1):c.390+13C>A

Gene: ALG1 (ALG1 chitobiosyldiphosphodolichol beta-mannosyltransferase; plus strand). Cytogenetic location: 16p13.3.
Variant type: single nucleotide variant.
Coding change: c.390+13C>A on transcript NM_019109.5 (MANE Select); 13 bases into the intron after coding-DNA position 390, C replaced by A.
Molecular consequence: intron variant.
Genome position (GRCh38, 1-based): chr16:5,073,269, C>A. VCF-style: chr16-5073269-C-A. GRCh37 (hg19) VCF-style: chr16-5123270-C-A.
Other names: c.57+13C>A (NM_001330504.2).
Identifiers: ClinVar variation 382782 (VCV000382782.13), dbSNP rs62036244, ClinGen allele CA7889804.

ClinVar aggregate classification (germline): Benign/Likely benign. Review status: criteria provided, multiple submitters, no conflicts (2 of 4 stars). 4 submissions from 4 submitters: Benign (3); Likely benign (1). Last evaluated 2026-02-03.

Conditions:
ALG1-congenital disorder of glycosylation. Also called: ALG1-CDG; CONGENITAL DISORDER OF GLYCOSYLATION, TYPE Ik; CDG Ik. Identifiers: Orphanet 79327, MedGen C2931005, MONDO:0012052, OMIM 608540.

Allele frequency attached by ClinVar (database versions not stated): 1000 Genomes Project 0.00659; 1000 Genomes Project 30x 0.00718.
gnomAD v4.1: 2,050 of 1,609,738 alleles (0.13%); highest among the groups gnomAD compares: African/African-American, 2.4%; 21 homozygotes.

Submissions (4):

Labcorp Genetics (formerly Invitae), Labcorp
Classification: Benign for ALG1-congenital disorder of glycosylation. Last evaluated: 2026-02-03. Review status: criteria provided, single submitter. Criteria: Invitae Variant Classification Sherloc (09022015). Collection method: clinical testing. Allele origin: germline.

ARUP Laboratories, Molecular Genetics and Genomics, ARUP Laboratories
Classification: Benign for ALG1-congenital disorder of glycosylation. Last evaluated: 2023-12-19. Review status: criteria provided, single submitter. Criteria: ARUP Molecular Germline Variant Investigation Process 2024. Collection method: clinical testing. Allele origin: germline.

GeneDx
Classification: Likely benign. Last evaluated: 2017-06-09. Review status: criteria provided, single submitter. Criteria: GeneDx Variant Classification (06012015). Collection method: clinical testing. Allele origin: germline. Affected: yes.
Comment: This variant is considered likely benign or benign based on one or more of the following criteria: it is a conservative change, it occurs at a poorly conserved position in the protein, it is predicted to be benign by multiple in silico algorithms, and/or has population frequency not consistent with disease.

Eurofins Ntd Llc (ga)
Classification: Benign. Last evaluated: 2017-01-12. Review status: criteria provided, single submitter. Criteria: EGL Classification Definitions 2015. Collection method: clinical testing. Allele origin: germline. Observed: 1 variant allele, 1 heterozygote.